The following is an entry in ClinVar:

ClinVar aggregate classification (germline): Uncertain significance. Review status: criteria provided, multiple submitters, no conflicts (2 of 4 stars). 2 submissions from 2 submitters: Uncertain significance (2). Last evaluated 2024-09-01.

Conditions:
Hereditary cancer-predisposing syndrome. Also called: Neoplastic Syndromes, Hereditary; Tumor predisposition; Hereditary Cancer Syndrome; Hereditary neoplastic syndrome. Identifiers: Orphanet 140162, MedGen C0027672, MeSH D009386, MONDO:0015356.
Neurofibromatosis, type 2 (SWNV). Also called: NF2-Related Schwannomatosis; BILATERAL ACOUSTIC NEUROFIBROMATOSIS; SCHWANNOMATOSIS, VESTIBULAR. Identifiers: Orphanet 637, MedGen C0027832, MONDO:0007039, OMIM 101000. Disease mechanism: loss of function.

Submissions (2):

Ambry Genetics
Classification: Uncertain significance for Hereditary cancer-predisposing syndrome. Last evaluated: 2024-09-01. Review status: criteria provided, single submitter. Criteria: Ambry Variant Classification Scheme 2023. Collection method: clinical testing. Allele origin: germline.
Comment: The p.G502S variant (also known as c.1504G>A), located in coding exon 14 of the NF2 gene, results from a G to A substitution at nucleotide position 1504. The glycine at codon 502 is replaced by serine, an amino acid with similar properties. This amino acid position is conserved. In addition, this alteration is predicted to be tolerated by in silico analysis. Based on the available evidence, the clinical significance of this variant remains unclear.

Labcorp Genetics (formerly Invitae), Labcorp
Classification: Uncertain significance for Neurofibromatosis, type 2. Last evaluated: 2022-01-28. Review status: criteria provided, single submitter. Criteria: Invitae Variant Classification Sherloc (09022015). Collection method: clinical testing. Allele origin: germline.
Comment: In summary, the available evidence is currently insufficient to determine the role of this variant in disease. Therefore, it has been classified as a Variant of Uncertain Significance. Algorithms developed to predict the effect of sequence changes on RNA splicing suggest that this variant may create or strengthen a splice site. Algorithms developed to predict the effect of missense changes on protein structure and function (SIFT, PolyPhen-2, Align-GVGD) all suggest that this variant is likely to be tolerated. This variant has not been reported in the literature in individuals affected with NF2-related conditions. This variant is not present in population databases (gnomAD no frequency). This sequence change replaces glycine, which is neutral and non-polar, with serine, which is neutral and polar, at codon 502 of the NF2 protein (p.Gly502Ser).

NM_000268.4(NF2):c.1504G>A (p.Gly502Ser)

Gene: NF2 (NF2, moesin-ezrin-radixin like (MERLIN) tumor suppressor; plus strand). Cytogenetic location: 22q12.2.
Variant type: single nucleotide variant.
Coding change: c.1504G>A on transcript NM_000268.4 (MANE Select); coding-DNA position 1504, G replaced by A.
Protein change: p.Gly502Ser; replaces glycine 502 with serine.
Molecular consequence: missense variant. On other transcripts: non-coding transcript variant (1), intron variant (1).
Genome position (GRCh38, 1-based): chr22:29,678,253, G>A. VCF-style: chr22-29678253-G-A. GRCh37 (hg19) VCF-style: chr22-30074242-G-A.
Other names: c.1390G>A, p.Gly464Ser (NM_001407053.1, NM_001407056.1); c.1381G>A, p.Gly461Ser (NM_001407054.1, NM_001407058.1, NM_181829.3); c.1378G>A, p.Gly460Ser (NM_001407055.1, NM_181828.3); c.1369G>A, p.Gly457Ser (NM_001407057.1, NM_001407059.1); c.1504G>A, p.Gly502Ser (NM_001407060.1, NM_001407066.1, NM_016418.5 and 2 more transcripts); c.1246G>A, p.Gly416Ser (NM_001407062.1); c.1255G>A, p.Gly419Ser (NM_001407063.1, NM_001407064.1, NM_181830.3 and 1 more transcripts); c.970G>A, p.Gly324Ser (NM_001407065.1); and 2 more; short protein forms G419S, G425S, G457S, G460S, G324S, G416S, G502S, G461S.
Identifiers: ClinVar variation 2090600 (VCV002090600.5), dbSNP rs2518712494, ClinGen allele CA411149657.